The following is an entry in ClinVar:

ClinVar aggregate classification (germline): Pathogenic (1 of 4 stars; one submission).

Conditions:
Developmental and epileptic encephalopathy. Identifiers: MedGen C5779964, MONDO:0100620.

Submission:

Labcorp Genetics (formerly Invitae), Labcorp
Classification: Pathogenic for Early infantile epileptic encephalopathy with suppression bursts. Last evaluated: 2019-04-24. Review status: criteria provided, single submitter. Criteria: Invitae Variant Classification Sherloc (09022015). Collection method: clinical testing. Allele origin: germline.
Comment: A gross deletion of the genomic region encompassing the full coding sequence of the SCN1A gene has been identified. The boundaries of this event are unknown as the deletion extends beyond the assayed region for this gene and therefore may encompass additional genes. Whole-gene deletions of SCN1A have been reported in individuals affected with Dravet syndrome (PMID: 17561957, 21719429). Loss-of-function variants in SCN1A are known to be pathogenic (PMID: 17347258, 18930999). For these reasons, this variant has been classified as Pathogenic.

Literature cited by the submitters: PubMed 17561957; PubMed 21719429.

NC_000002.12:g.(?_165874735)_(166073641_?)del

Genes: SCN1A (sodium voltage-gated channel alpha subunit 1; minus strand), TTC21B (tetratricopeptide repeat domain 21B; minus strand). Cytogenetic location: 2q24.3.
Variant type: Deletion.
Identifiers: ClinVar variation 831162 (VCV000831162.2).